The following is an entry in ClinVar:

NM_001079872.2(CUL4B):c.1962G>T (p.Pro654=)

Gene: CUL4B (cullin 4B; minus strand). Cytogenetic location: Xq24.
Variant type: single nucleotide variant.
Coding change: c.1962G>T on transcript NM_001079872.2 (MANE Select); coding-DNA position 1962, G replaced by T.
Protein change: p.Pro654=; no amino-acid change (proline 654 retained).
Molecular consequence: synonymous variant.
Genome position (GRCh38, 1-based): chrX:120,537,011, C>A on the plus strand (G>T on the coding strand, the complement: CUL4B is on the minus strand). VCF-style: chrX-120537011-C-A. GRCh37 (hg19) VCF-style: chrX-119670866-C-A.
Other names: c.1977G>T, p.Pro659= (NM_001330624.2); c.1428G>T, p.Pro476= (NM_001369145.1); c.2016G>T, p.Pro672= (NM_003588.4).
Identifiers: ClinVar variation 4977977 (VCV004977977.1).
Genomic context (GRCh38, chrX:120,537,011, plus strand): 5'-AGGCACATATGTCGGCCAATAGCCCATTGTCAGGATATTCACAGTTAACTCAATATTTCC[C>A]GGAACATTCTGATTCTGCATATACTATAAGAAGATCAAAACACACACTGAGATCTTAAAA-3'
Protein context (NP_001073341.1, residues 644-664): FKQYMQNQNV[Pro654=]GNIELTVNIL

ClinVar aggregate classification (germline): Likely benign (1 of 4 stars; one submission).

Conditions:
CUL4B-related disorder. Also called: CUL4B-related condition.

Submission:

PreventionGenetics, part of Exact Sciences
Classification: Likely benign for CUL4B-related condition. Last evaluated: 2026-03-31. Review status: criteria provided, single submitter. Criteria: ACMG Guidelines, 2015. Collection method: clinical testing. Allele origin: germline.
Comment: This variant is classified as likely benign based on ACMG/AMP sequence variant interpretation guidelines (Richards et al. 2015 PMID: 25741868, with internal and published modifications).